The following is an entry in ClinVar:

NM_000180.4(GUCY2D):c.1576G>A (p.Gly526Arg)

Gene: GUCY2D (guanylate cyclase 2D, retinal; plus strand). Cytogenetic location: 17p13.1.
Variant type: single nucleotide variant.
Coding change: c.1576G>A on transcript NM_000180.4 (MANE Select); coding-DNA position 1576, G replaced by A.
Protein change: p.Gly526Arg; replaces glycine 526 with arginine.
Molecular consequence: missense variant.
Genome position (GRCh38, 1-based): chr17:8,007,940, G>A. VCF-style: chr17-8007940-G-A. GRCh37 (hg19) VCF-style: chr17-7911258-G-A.
Other names: short protein forms G526R.
Identifiers: ClinVar variation 1043311 (VCV001043311.8), dbSNP rs1975777337, ClinGen allele CA397949561.
Genomic context (GRCh38, chr17:8,007,940, plus strand): 5'-CTCTGACACCAGAATATATTTTGACCTCTTGCATTGACCTCTACCTGCTAGGTGGCCCAG[G>A]GGAGTCGATCAAGTCTGGGTGCCCGCAGCATGTCAGACATTCGCAGCGGCCCCAGCCAAC-3'
Protein context (NP_000171.1, residues 516-536): HGGTSRKVAQ[Gly526Arg]SRSSLGARSM

ClinVar aggregate classification (germline): Uncertain significance (1 of 4 stars; one submission).

Conditions:
Cone-rod dystrophy 6 (CORD6). Also called: RETINAL CONE DYSTROPHY 2; Cone dystrophy progressive. Identifiers: Orphanet 1872, MedGen C1866293, MONDO:0011143, OMIM 601777.
Leber congenital amaurosis 1 (LCA1). Also called: RETINAL BLINDNESS, CONGENITAL; AMAUROSIS CONGENITA OF LEBER I; Congenital absence of the rods and cones; Leber's congenital tapetoretinal degeneration; Leber's congenital tapetoretinal dysplasia. Identifiers: Orphanet 65, MedGen C2931258, MONDO:0008764, OMIM 204000.

Submission:

Labcorp Genetics (formerly Invitae), Labcorp
Classification: Uncertain significance for Leber congenital amaurosis 1; Cone-rod dystrophy 6. Last evaluated: 2020-07-25. Review status: criteria provided, single submitter. Criteria: Invitae Variant Classification Sherloc (09022015). Collection method: clinical testing. Allele origin: germline.
Comment: In summary, the available evidence is currently insufficient to determine the role of this variant in disease. Therefore, it has been classified as a Variant of Uncertain Significance. Algorithms developed to predict the effect of missense changes on protein structure and function (SIFT, PolyPhen-2, Align-GVGD) all suggest that this variant is likely to be disruptive, but these predictions have not been confirmed by published functional studies and their clinical significance is uncertain. This variant has not been reported in the literature in individuals with GUCY2D-related conditions. This variant is not present in population databases (ExAC no frequency). This sequence change replaces glycine with arginine at codon 526 of the GUCY2D protein (p.Gly526Arg). The glycine residue is highly conserved and there is a moderate physicochemical difference between glycine and arginine.